The following is an entry in ClinVar:

NM_031418.4(ANO3):c.2391A>G (p.Gln797=)

Gene: ANO3 (anoctamin 3; plus strand). Cytogenetic location: 11p14.2.
Variant type: single nucleotide variant.
Coding change: c.2391A>G on transcript NM_031418.4 (MANE Select); coding-DNA position 2391, A replaced by G.
Protein change: p.Gln797=; no amino-acid change (glutamine 797 retained).
Molecular consequence: synonymous variant.
Genome position (GRCh38, 1-based): chr11:26,643,297, A>G. VCF-style: chr11-26643297-A-G. GRCh37 (hg19) VCF-style: chr11-26664844-A-G.
Other names: c.2574A>G, p.Gln858= (NM_001313726.2); c.1953A>G, p.Gln651= (NM_001313727.2).
Identifiers: ClinVar variation 1401966 (VCV001401966.12), dbSNP rs774857479, ClinGen allele CA5926490.

ClinVar aggregate classification (germline): Likely benign. Review status: criteria provided, multiple submitters, no conflicts (2 of 4 stars). 2 submissions from 2 submitters: Likely benign (2). Last evaluated 2026-02-01.

Conditions:
Dystonic disorder. Also called: Dystonia. Identifiers: MedGen C0013421, MONDO:0003441, HP:0001332.

Allele frequency attached by ClinVar (database versions not stated): gnomAD 0.00001; gnomAD exomes 0.00001 and 0.00002; ExAC 0.00002; TOPMed 0.00002.
gnomAD v4.1: 13 of 1,614,056 alleles (0.00081%); highest among the groups gnomAD compares: Admixed American, 0.0017%; no homozygotes.

Submissions (2):

CeGaT Center for Human Genetics Tuebingen
Classification: Likely benign. Last evaluated: 2026-02-01. Review status: criteria provided, single submitter. Criteria: CeGaT Center For Human Genetics Tuebingen Variant Classification Criteria Version 2. Collection method: clinical testing. Allele origin: germline. Affected: yes. Observed: 1 variant allele.
Comment: ANO3: BP4, BP7

Labcorp Genetics (formerly Invitae), Labcorp
Classification: Likely benign for Dystonic disorder. Last evaluated: 2023-10-13. Review status: criteria provided, single submitter. Criteria: Invitae Variant Classification Sherloc (09022015). Collection method: clinical testing. Allele origin: germline.